The following is an entry in ClinVar:

ClinVar aggregate classification (germline): Benign/Likely benign (0 of 4 stars; one submission).

Submission:

ISCA Site 6
Classification: Benign/Likely benign. Review status: no assertion criteria provided. Collection method: clinical testing. Allele origin: unknown. Affected: yes. Observed: 4 variant alleles. Clinical features observed: Developmental delay AND/OR other significant developmental or morphological phenotypes.
Comment: Likely benign (1), Benign (3)

Copy number variation identified through the course of routine clinical cytogenomic testing in postnatal populations, with clinical assertions as classified by the original submitter. For data from the original published study, Kaminsky, et al. 2011 (PubMed 21844811), please see nstd101.

GRCh37/hg19 5p15.2(chr5:13830669-14153561)x3

Genes: DNAH5 (dynein axonemal heavy chain 5; minus strand), TRIO (trio Rho guanine nucleotide exchange factor; plus strand). Cytogenetic location: 5p15.2.
Variant type: copy number gain.
Change: copy number 3 (three copies instead of two) of chr5:13,830,669-14,153,561 (322.9 kb, GRCh37 coordinates, 1-based), cytogenetic band 5p15.2.
Identifiers: ClinVar variation 394063 (VCV000394063.3).